The following is an entry in ClinVar:

ClinVar aggregate classification (germline): Uncertain significance (1 of 4 stars; one submission).

Conditions:
Hypertrophic cardiomyopathy 26. Also called: Cardiomyopathy, familial hypertrophic, 26. Identifiers: Orphanet 75249, MedGen C4310749, MONDO:0014883, OMIM 617047.
Myofibrillar myopathy 5. Also called: Filaminopathy (type); FILAMINOPATHY, AUTOSOMAL DOMINANT. Identifiers: Orphanet 171445, MedGen C1836050, MONDO:0012289, OMIM 609524.
Distal myopathy with posterior leg and anterior hand involvement. Also called: WILLIAMS DISTAL MYOPATHY. Identifiers: Orphanet 63273, MedGen C3279722, MONDO:0013550, OMIM 614065.

Submission:

Labcorp Genetics (formerly Invitae), Labcorp
Classification: Uncertain significance for Distal myopathy with posterior leg and anterior hand involvement; Myofibrillar myopathy 5; Hypertrophic cardiomyopathy 26. Last evaluated: 2026-01-13. Review status: criteria provided, single submitter. Criteria: Invitae Variant Classification Sherloc (09022015). Collection method: clinical testing. Allele origin: germline.
Comment: This sequence change replaces leucine, which is neutral and non-polar, with glutamine, which is neutral and polar, at codon 428 of the FLNC protein (p.Leu428Gln). This variant is not present in population databases (gnomAD no frequency). This variant has not been reported in the literature in individuals affected with FLNC-related conditions. Invitae Evidence Modeling of protein sequence and biophysical properties (such as structural, functional, and spatial information, amino acid conservation, physicochemical variation, residue mobility, and thermodynamic stability) has been performed for this missense variant. However, the output from this modeling did not meet the statistical confidence thresholds required to predict the impact of this variant on FLNC protein function. In summary, the available evidence is currently insufficient to determine the role of this variant in disease. Therefore, it has been classified as a Variant of Uncertain Significance.

NM_001458.5(FLNC):c.1283T>A (p.Leu428Gln)

Gene: FLNC (filamin C; plus strand). Cytogenetic location: 7q32.1.
Variant type: single nucleotide variant.
Coding change: c.1283T>A on transcript NM_001458.5 (MANE Select); coding-DNA position 1283, T replaced by A.
Protein change: p.Leu428Gln; replaces leucine 428 with glutamine.
Molecular consequence: missense variant.
Genome position (GRCh38, 1-based): chr7:128,838,675, T>A. VCF-style: chr7-128838675-T-A. GRCh37 (hg19) VCF-style: chr7-128478729-T-A.
Other names: c.1283T>A, p.Leu428Gln (NM_001127487.2); short protein forms L428Q.
Identifiers: ClinVar variation 4812654 (VCV004812654.1).